The following is an entry in ClinVar:

ClinVar aggregate classification (germline): Uncertain significance (1 of 4 stars; one submission).

Conditions:
Inborn genetic diseases. Identifiers: MedGen C0950123, MeSH D030342.

Submission:

Ambry Genetics
Classification: Uncertain significance for Inborn genetic diseases. Last evaluated: 2026-04-12. Review status: criteria provided, single submitter. Criteria: Ambry Variant Classification Scheme 2023. Collection method: clinical testing. Allele origin: germline.
Comment: The p.G898C variant (also known as c.2692G>T), located in coding exon 12 of the BMPR2 gene, results from a G to T substitution at nucleotide position 2692. The glycine at codon 898 is replaced by cysteine, an amino acid with highly dissimilar properties. This amino acid position is conserved. In addition, the in silico prediction for this alteration is inconclusive. Based on the available evidence, the clinical significance of this variant remains unclear.

NM_001204.7(BMPR2):c.2692G>T (p.Gly898Cys)

Gene: BMPR2 (bone morphogenetic protein receptor type 2; plus strand). Cytogenetic location: 2q33.2.
Variant type: single nucleotide variant.
Coding change: c.2692G>T on transcript NM_001204.7 (MANE Select); coding-DNA position 2692, G replaced by T.
Protein change: p.Gly898Cys; replaces glycine 898 with cysteine.
Molecular consequence: missense variant.
Genome position (GRCh38, 1-based): chr2:202,556,357, G>T. VCF-style: chr2-202556357-G-T. GRCh37 (hg19) VCF-style: chr2-203421080-G-T.
Other names: short protein forms G898C.
Identifiers: ClinVar variation 4867573 (VCV004867573.1).
Genomic context (GRCh38, chr2:202,556,357, plus strand): 5'-GGCCATGATGAAGGTGTTCTGGATCGTCTTGTGGACAGGAGGGAACGGCCACTAGAAGGT[G>T]GCCGAACTAATTCCAATAACAACAACAGCAATCCATGTTCAGAACAAGATGTTCTTGCAC-3'
Protein context (NP_001195.2, residues 888-908): VDRRERPLEG[Gly898Cys]RTNSNNNNSN